The following is an entry in ClinVar:

ClinVar aggregate classification (germline): Uncertain significance (1 of 4 stars; one submission).

Conditions:
Hereditary cancer-predisposing syndrome. Also called: Hereditary Cancer Syndrome; Hereditary neoplastic syndrome; Neoplastic Syndromes, Hereditary; Tumor predisposition. Identifiers: Orphanet 140162, MedGen C0027672, MeSH D009386, MONDO:0015356.

Submission:

Ambry Genetics
Classification: Uncertain significance for Hereditary cancer-predisposing syndrome. Last evaluated: 2025-05-04. Review status: criteria provided, single submitter. Criteria: Ambry Variant Classification Scheme 2023. Collection method: clinical testing. Allele origin: germline.
Comment: The p.T240A variant (also known as c.718A>G), located in coding exon 5 of the NTHL1 gene, results from an A to G substitution at nucleotide position 718. The threonine at codon 240 is replaced by alanine, an amino acid with similar properties. This amino acid position is conserved. In addition, this alteration is predicted to be deleterious by in silico analysis. Based on the available evidence, the clinical significance of this variant remains unclear.

NM_002528.7(NTHL1):c.694A>G (p.Thr232Ala)

Gene: NTHL1 (nth like DNA glycosylase 1; minus strand). Cytogenetic location: 16p13.3.
Variant type: single nucleotide variant.
Coding change: c.694A>G on transcript NM_002528.7 (MANE Select); coding-DNA position 694, A replaced by G.
Protein change: p.Thr232Ala; replaces threonine 232 with alanine.
Molecular consequence: missense variant.
Genome position (GRCh38, 1-based): chr16:2,040,230, T>C on the plus strand (A>G on the coding strand, the complement: NTHL1 is on the minus strand). VCF-style: chr16-2040230-T-C. GRCh37 (hg19) VCF-style: chr16-2090231-T-C.
Other names: c.523A>G, p.Thr175Ala (NM_001318193.2); c.364A>G, p.Thr122Ala (NM_001318194.2); short protein forms T122A, T175A, T232A.
Identifiers: ClinVar variation 3922238 (VCV003922238.1).